The following is an entry in ClinVar:

ClinVar aggregate classification (germline): Uncertain significance. Review status: criteria provided, multiple submitters, no conflicts (2 of 4 stars). 3 submissions from 3 submitters: Uncertain significance (3). Last evaluated 2025-10-23.

Conditions:
B lymphoblastic leukemia lymphoma with t(12;21)(p13;q22); TEL-AML1 (ETV6-RUNX1). Also called: B Lymphoblastic Leukemia/Lymphoma with t(12;21)(p13.2;q22.1); ETV6-RUNX1. Identifiers: MedGen C2698314.
Hereditary cancer-predisposing syndrome. Also called: Tumor predisposition; Hereditary Cancer Syndrome; Neoplastic Syndromes, Hereditary; Hereditary neoplastic syndrome. Identifiers: Orphanet 140162, MedGen C0027672, MeSH D009386, MONDO:0015356.
Retinoblastoma (RB1). Also called: RETINOBLASTOMA, SOMATIC. Identifiers: Orphanet 790, MedGen C0035335, MeSH D012175, MONDO:0008380, OMIM 180200, HP:0009919. Disease mechanism: loss of function. Inheritance: Both sporadic and heritable forms are tested..

gnomAD v4.1: 6 of 1,613,424 alleles (0.00037%); highest among the groups gnomAD compares: Non-Finnish European, 0.00051%; no homozygotes.

Submissions (3):

Labcorp Genetics (formerly Invitae), Labcorp
Classification: Uncertain significance for Retinoblastoma. Last evaluated: 2025-10-23. Review status: criteria provided, single submitter. Criteria: Invitae Variant Classification Sherloc (09022015). Collection method: clinical testing. Allele origin: germline.
Comment: This sequence change replaces cysteine, which is neutral and slightly polar, with tyrosine, which is neutral and polar, at codon 853 of the RB1 protein (p.Cys853Tyr). This variant is not present in population databases (gnomAD no frequency). This variant has not been reported in the literature in individuals affected with RB1-related conditions. ClinVar contains an entry for this variant (Variation ID: 620619). Invitae Evidence Modeling of protein sequence and biophysical properties (such as structural, functional, and spatial information, amino acid conservation, physicochemical variation, residue mobility, and thermodynamic stability) indicates that this missense variant is not expected to disrupt RB1 protein function with a negative predictive value of 80%. In summary, the available evidence is currently insufficient to determine the role of this variant in disease. Therefore, it has been classified as a Variant of Uncertain Significance.

Ambry Genetics
Classification: Uncertain significance for Hereditary cancer-predisposing syndrome. Last evaluated: 2024-07-01. Review status: criteria provided, single submitter. Criteria: Ambry Variant Classification Scheme 2023. Collection method: clinical testing. Allele origin: germline.
Comment: The p.C853Y variant (also known as c.2558G>A), located in coding exon 25 of the RB1 gene, results from a G to A substitution at nucleotide position 2558. The cysteine at codon 853 is replaced by tyrosine, an amino acid with highly dissimilar properties. This amino acid position is well conserved in available vertebrate species. In addition, the in silico prediction for this alteration is inconclusive. Since supporting evidence is limited at this time, the clinical significance of this alteration remains unclear.

St. Jude Molecular Pathology, St. Jude Children's Research Hospital
Classification: Uncertain significance for B Lymphoblastic Leukemia/Lymphoma with t(12;21)(p13.2;q22.1); ETV6-RUNX1. Last evaluated: 2016-10-17. Review status: criteria provided, single submitter. Criteria: ACMG Guidelines, 2015. Collection method: clinical testing. Allele origin: germline. Affected: yes.

NM_000321.3(RB1):c.2558G>A (p.Cys853Tyr)

Gene: RB1 (RB transcriptional corepressor 1; plus strand). Cytogenetic location: 13q14.2.
Variant type: single nucleotide variant.
Coding change: c.2558G>A on transcript NM_000321.3 (MANE Select); coding-DNA position 2558, G replaced by A.
Protein change: p.Cys853Tyr; replaces cysteine 853 with tyrosine.
Molecular consequence: missense variant.
Genome position (GRCh38, 1-based): chr13:48,476,738, G>A. VCF-style: chr13-48476738-G-A. GRCh37 (hg19) VCF-style: chr13-49050874-G-A.
Other names: short protein forms C853Y.
Identifiers: ClinVar variation 620619 (VCV000620619.16), dbSNP rs1566240940, ClinGen allele CA388168269.